The following is an entry in ClinVar:

ClinVar aggregate classification (germline): Likely benign (1 of 4 stars; one submission).

Submission:

CeGaT Center for Human Genetics Tuebingen
Classification: Likely benign. Last evaluated: 2023-10-01. Review status: criteria provided, single submitter. Criteria: CeGaT Center For Human Genetics Tuebingen Variant Classification Criteria Version 2. Collection method: clinical testing. Allele origin: germline. Affected: yes. Observed: 1 variant allele.
Comment: CCN6: PM2:Supporting, BP4, BP7

NM_198239.2(CCN6):c.195G>T (p.Val65=)

Gene: CCN6 (cellular communication network factor 6; plus strand). Cytogenetic location: 6q21.
Variant type: single nucleotide variant.
Coding change: c.195G>T on transcript NM_198239.2 (MANE Select); coding-DNA position 195, G replaced by T.
Protein change: p.Val65=; no amino-acid change (valine 65 retained).
Molecular consequence: synonymous variant. On other transcripts: non-coding transcript variant (2).
Genome position (GRCh38, 1-based): chr6:112,061,137, G>T. VCF-style: chr6-112061137-G-T. GRCh37 (hg19) VCF-style: chr6-112382340-G-T.
Other names: c.195G>T, p.Val65= (NM_003880.4).
Identifiers: ClinVar variation 2656856 (VCV002656856.24), dbSNP rs781940252, ClinGen allele CA451901155.